The following is an entry in ClinVar:

ClinVar aggregate classification (germline): Benign (1 of 4 stars; one submission).

Allele frequency attached by ClinVar (database versions not stated): TOPMed 0.37173; gnomAD 0.37261 and 0.37474; 1000 Genomes Project 30x 0.43301; 1000 Genomes Project 0.43450.
gnomAD v4.1: 56,812 of 152,006 alleles (37%); highest among the groups gnomAD compares: East Asian, 55%; 11,296 homozygotes.

Submission:

GeneDx
Classification: Benign. Last evaluated: 2018-06-19. Review status: criteria provided, single submitter. Criteria: GeneDx Variant Classification (06012015). Collection method: clinical testing. Allele origin: germline. Affected: yes.
Comment: This variant is considered likely benign or benign based on one or more of the following criteria: it is a conservative change, it occurs at a poorly conserved position in the protein, it is predicted to be benign by multiple in silico algorithms, and/or has population frequency not consistent with disease.

NM_005045.4(RELN):c.8120-320T>C

Genes: RELN (reelin; minus strand), SLC26A5-AS1 (SLC26A5 antisense RNA 1; plus strand). Cytogenetic location: 7q22.1.
Variant type: single nucleotide variant.
Coding change: c.8120-320T>C on transcript NM_005045.4 (MANE Select); 320 bases into the intron before coding-DNA position 8120, T replaced by C.
Molecular consequence: intron variant.
Genome position (GRCh38, 1-based): chr7:103,511,325, A>G on the plus strand (T>C on the coding strand, the complement: RELN is on the minus strand). VCF-style: chr7-103511325-A-G. GRCh37 (hg19) VCF-style: chr7-103151772-A-G.
Other names: c.8120-320T>C (NM_173054.3).
Identifiers: ClinVar variation 668965 (VCV000668965.1), dbSNP rs2528859, ClinGen allele CA12652685.
Genomic context (GRCh38, chr7:103,511,325, plus strand): 5'-CATTGTAAATGAAAATCAAAAGGAAATAACTAATTTTTTGACAGATATTTAACTTTTTAG[A>G]TAGCATATAAAGAAGTAGAGATGATTTTTAATTTTAAAAATTTTATTTACAGTGTCTCGT-3'